The following is an entry in ClinVar:

ClinVar aggregate classification (germline): Conflicting classifications of pathogenicity. Review status: criteria provided, conflicting classifications (1 of 4 stars). 2 submissions from 1 submitter: Uncertain significance (1); Likely benign (1). Last evaluated 2018-01-12.

Conditions:
Leigh syndrome (NULS). Also called: Leigh's syndrome; Leigh Disease; Subacute necrotizing encephalopathy; Necrotizing encephalopathy infantile subacute of Leigh; LEIGH SYNDROME, NUCLEAR; Leigh's necrotizing encephalopathy. Identifiers: Orphanet 506, MedGen C2931891, MONDO:0009723, OMIM 256000.
Mitochondrial complex IV deficiency, nuclear type 1 (MC4DN1). Also called: COX DEFICIENCY; Mitochondrial complex IV deficiency; Complex 4 mitochondrial respiratory chain deficiency; Deficiency of mitochondrial respiratory chain complex4; Complex IV deficiency. Identifiers: MedGen C5435656, MONDO:0700250, OMIM 220110. Disease mechanism: loss of function.

Allele frequency attached by ClinVar (database versions not stated): gnomAD 0.00265 and 0.00276; TOPMed 0.00267; 1000 Genomes Project 0.00459; 1000 Genomes Project 30x 0.00500.

Submissions (2):

Illumina Laboratory Services, Illumina
Classification: Likely benign for Leigh syndrome. Last evaluated: 2018-01-12. Review status: criteria provided, single submitter. Criteria: ICSL Variant Classification Criteria 13 December 2019. Collection method: clinical testing. Allele origin: germline.
Comment: This variant was observed in the ICSL laboratory as part of a predisposition screen in an ostensibly healthy population. It had not been previously curated by ICSL or reported in the Human Gene Mutation Database (HGMD: prior to June 1st, 2018), and was therefore a candidate for classification through an automated scoring system. Utilizing variant allele frequency, disease prevalence and penetrance estimates, and inheritance mode, an automated score was calculated to assess if this variant is too frequent to cause the disease. Based on the score and internal cut-off values, a variant classified as likely benign is not then subjected to further curation. The score for this variant resulted in a classification of likely benign for this disease.

Illumina Laboratory Services, Illumina
Classification: Uncertain significance for Mitochondrial complex IV deficiency, nuclear type 1. Last evaluated: 2018-01-12. Review status: criteria provided, single submitter. Criteria: ICSL Variant Classification Criteria 13 December 2019. Collection method: clinical testing. Allele origin: germline.

NM_001303.4(COX10):c.*904C>G

Gene: COX10 (cytochrome c oxidase assembly factor heme A:farnesyltransferase COX10; plus strand). Cytogenetic location: 17p12.
Variant type: single nucleotide variant.
Coding change: c.*904C>G on transcript NM_001303.4 (MANE Select); 904 bases downstream of the stop codon, C replaced by G.
Molecular consequence: 3 prime UTR variant.
Genome position (GRCh38, 1-based): chr17:14,208,117, C>G. VCF-style: chr17-14208117-C-G. GRCh37 (hg19) VCF-style: chr17-14111434-C-G.
Identifiers: ClinVar variation 890935 (VCV000890935.4), dbSNP rs75839697, ClinGen allele CA288081799.